The following is an entry in ClinVar:

ClinVar aggregate classification (germline): Uncertain significance. Review status: criteria provided, multiple submitters, no conflicts (2 of 4 stars). 2 submissions from 2 submitters: Uncertain significance (2). Last evaluated 2025-08-01.

Conditions:
Inborn genetic diseases. Identifiers: MedGen C0950123, MeSH D030342.

Allele frequency attached by ClinVar (database versions not stated): ExAC 0.00002; 1000 Genomes Project 30x 0.00016; 1000 Genomes Project 0.00020.
gnomAD v4.1: 37 of 1,613,458 alleles (0.0023%); highest among the groups gnomAD compares: African/African-American, 0.027%; no homozygotes.

Submissions (2):

Ambry Genetics
Classification: Uncertain significance for Inborn genetic diseases. Last evaluated: 2025-08-01. Review status: criteria provided, single submitter. Criteria: Ambry Variant Classification Scheme 2023. Collection method: clinical testing. Allele origin: germline.

Labcorp Genetics (formerly Invitae), Labcorp
Classification: Uncertain significance. Last evaluated: 2022-04-07. Review status: criteria provided, single submitter. Criteria: Invitae Variant Classification Sherloc (09022015). Collection method: clinical testing. Allele origin: germline.
Comment: Algorithms developed to predict the effect of missense changes on protein structure and function are either unavailable or do not agree on the potential impact of this missense change (SIFT: "Deleterious"; PolyPhen-2: "Probably Damaging"; Align-GVGD: "Class C15"). In summary, the available evidence is currently insufficient to determine the role of this variant in disease. Therefore, it has been classified as a Variant of Uncertain Significance. This variant has not been reported in the literature in individuals affected with SFRP4-related conditions. This sequence change replaces arginine, which is basic and polar, with leucine, which is neutral and non-polar, at codon 28 of the SFRP4 protein (p.Arg28Leu). This variant is present in population databases (rs555863176, gnomAD 0.03%).

NM_003014.4(SFRP4):c.83G>T (p.Arg28Leu)

Gene: SFRP4 (secreted frizzled related protein 4; minus strand). Cytogenetic location: 7p14.1.
Variant type: single nucleotide variant.
Coding change: c.83G>T on transcript NM_003014.4 (MANE Select); coding-DNA position 83, G replaced by T.
Protein change: p.Arg28Leu; replaces arginine 28 with leucine.
Molecular consequence: missense variant.
Genome position (GRCh38, 1-based): chr7:37,916,455, C>A on the plus strand (G>T on the coding strand, the complement: SFRP4 is on the minus strand). VCF-style: chr7-37916455-C-A. GRCh37 (hg19) VCF-style: chr7-37956057-C-A.
Other names: c.83G>T (NM_003014.3); short protein forms R28L.
Identifiers: ClinVar variation 1430458 (VCV001430458.10), dbSNP rs555863176, ClinGen allele CA4222956.